The following is an entry in ClinVar:

ClinVar aggregate classification (germline): Conflicting classifications of pathogenicity. Review status: criteria provided, conflicting classifications (1 of 4 stars). 11 submissions from 11 submitters: Likely pathogenic (1); Uncertain significance (10). Last evaluated 2026-06-22.

Conditions:
Familial thoracic aortic aneurysm and aortic dissection (TAAD). Also called: Thoracic aortic aneurysms and dissections. Identifiers: Orphanet 91387, MedGen C4707243, MONDO:0019625.
Ectopia lentis 1, isolated, autosomal dominant (ECTOL1). Identifiers: Orphanet 1885, MedGen C3541518, MONDO:0007514, OMIM 129600.
Weill-Marchesani syndrome 2, dominant. Also called: FBN1-Related Weill-Marchesani Syndrome; Weill-Marchesani Syndrome, Autosomal Dominant. Identifiers: Orphanet 2084, MedGen C1869115, MONDO:0012013, OMIM 608328.
Acromicric dysplasia (ACMICD). Also called: Acromicric skeletal dysplasia. Identifiers: Orphanet 969, MedGen C0265287, MONDO:0007055, OMIM 102370.
Marfan syndrome (MFS). Also called: Marfan syndrome type 1; Marfan's syndrome; MARFAN SYNDROME, TYPE I; FBN1-Related Marfan Syndrome; Marfan syndrome, classic. Identifiers: Orphanet 284963, Orphanet 558, MedGen C0024796, MONDO:0007947, OMIM 154700.
MASS syndrome (OCTD). Also called: MASS PHENOTYPE; OVERLAP CONNECTIVE TISSUE DISEASE. Identifiers: MedGen C1858556, MONDO:0011431, OMIM 604308.
Stiff skin syndrome (SSKS). Identifiers: Orphanet 2833, MedGen C1861456, MONDO:0008492, OMIM 184900.
Geleophysic dysplasia 2 (GPHYSD2). Identifiers: Orphanet 2623, MedGen C3280054, MONDO:0013612, OMIM 614185.
Progeroid and marfanoid aspect-lipodystrophy syndrome. Also called: MARFANOID-PROGEROID SYNDROME; MARFAN-PROGEROID-LIPODYSTROPHY SYNDROME; Marfan lipodystrophy syndrome; MARFANOID-PROGEROID-LIPODYSTROPHY SYNDROME. Identifiers: Orphanet 300382, MedGen C4310796, MONDO:0014831, OMIM 616914.
FBN1-related disorder. Also called: FBN1-related disorders.
Cardiovascular phenotype. Identifiers: MedGen CN230736.

Allele frequency attached by ClinVar (database versions not stated): TOPMed 0.00002; gnomAD exomes 0.00001; ExAC 0.00002; gnomAD 0.00002.
gnomAD v4.1: 15 of 1,613,914 alleles (0.00093%); highest among the groups gnomAD compares: African/African-American, 0.0013%; no homozygotes.

Submissions (11):

Ambry Genetics
Classification: Uncertain significance for Familial thoracic aortic aneurysm and aortic dissection. Last evaluated: 2026-06-22. Review status: criteria provided, single submitter. Criteria: Ambry Variant Classification Scheme 2023. Collection method: clinical testing. Allele origin: germline.
Comment: The p.N156S variant (also known as c.467A>G), located in coding exon 5 of the FBN1 gene, results from an A to G substitution at nucleotide position 467. The asparagine at codon 156 is replaced by serine, an amino acid with highly similar properties. This variant was reported in individual(s) with features consistent with Marfan syndrome (Stark VC et al. Genes (Basel), 2020 Jul;11; Wolford BN et al. Circ Genom Precis Med. 2019 Jun;12(6):e002476; external communication). This amino acid position is highly conserved in available vertebrate species. In addition, the in silico prediction for this alteration is inconclusive. Based on the available evidence, the clinical significance of this variant remains unclear.

PreventionGenetics, part of Exact Sciences
Classification: Uncertain significance for FBN1-related condition. Last evaluated: 2026-03-23. Review status: criteria provided, single submitter. Criteria: ACMG Guidelines, 2015. Collection method: clinical testing. Allele origin: germline.
Comment: The FBN1 c.467A>G variant is predicted to result in the amino acid substitution p.Asn156Ser. This variant was reported in the heterozygous state in an individual with Marfan syndrome (Supplementary Data, Stark et al. 2020. PubMed ID: 32679894) and in an individual with thoracic aortic aneurysm and dissection (TAAD, Wolford et al. 2019. PubMed ID: 31211624). This variant was also reported in the compound heterozygous state, along with exon 5 deletion, in an individual with Marfan syndrome (﻿DOI 10.1016/j.hest.2022.01.002). This variant is reported in 0.0062% of alleles in individuals of African descent in gnomAD and interpreted as uncertain significance by the majority of submitters in ClinVar (Variation ID: 449605﻿). A different missense change impacting the same amino acid (p.Asn156His) has been reported in an individual with TAAD (Table S2, Yang et al. 2023. PubMed ID: 36517271). At this time, the clinical significance of the c.467C>G (p.Asn156Ser) variant is uncertain due to the absence of conclusive functional and genetic evidence.

GeneDx
Classification: Uncertain significance. Last evaluated: 2025-11-06. Review status: criteria provided, single submitter. Criteria: GeneDx Variant Classification Process June 2021. Collection method: clinical testing. Allele origin: germline. Affected: yes.
Comment: Reported in an individual with TAAD and in a pediatric patient with Marfan syndrome in published literature (PMID: 31211624, 32679894); Not observed at significant frequency in large population cohorts (gnomAD); In silico analysis supports that this missense variant has a deleterious effect on protein structure/function; Does not affect a cysteine or calcium-binding residue within an EGF-like domain or a TGF-binding protein domain of the FBN1 gene; cysteine substitutions in the EGF-like domains represent the majority of pathogenic missense changes associated with FBN1-related disorders (PMID: 12938084); This variant is associated with the following publications: (PMID: Finsterer2022, 12938084, 31211624, 32679894)

Women's Health and Genetics/Laboratory Corporation of America, LabCorp
Classification: Uncertain significance. Last evaluated: 2025-10-06. Review status: criteria provided, single submitter. Criteria: LabCorp Variant Classification Summary - May 2015. Collection method: clinical testing. Allele origin: germline.
Comment: Variant summary: FBN1 c.467A>G (p.Asn156Ser) results in a conservative amino acid change located in the EGF-like domain (IPR000742) of the encoded protein sequence. Algorithms developed to predict the effect of missense changes on protein structure and function are either unavailable or do not agree on the potential impact of this missense change. The variant allele was found at a frequency of 8e-06 in 251338 control chromosomes. c.467A>G has been reported in the literature in individuals affected with clinical features of Marfan syndrome and/or thoracic aortic aneurysm and dissection (Stark_2020 and internal data). These data indicate that the variant may be associated with disease. To our knowledge, no experimental evidence demonstrating an impact on protein function has been reported. The following publications have been ascertained in the context of this evaluation (PMID: 32679894, 31211624). ClinVar contains an entry for this variant (Variation ID: 449605). Based on the evidence outlined above, the variant was classified as VUS-possibly pathogenic.

Labcorp Genetics (formerly Invitae), Labcorp
Classification: Likely pathogenic for Marfan syndrome; Familial thoracic aortic aneurysm and aortic dissection. Last evaluated: 2025-05-05. Review status: criteria provided, single submitter. Criteria: Invitae Variant Classification Sherloc (09022015). Collection method: clinical testing. Allele origin: germline.
Comment: This sequence change replaces asparagine, which is neutral and polar, with serine, which is neutral and polar, at codon 156 of the FBN1 protein (p.Asn156Ser). This variant is present in population databases (rs779490973, gnomAD 0.007%). This missense change has been observed in individuals with clinical features of Marfan syndrome and/or thoracic aortic aneurysm and dissection (PMID: 31211624, 32679894; internal data). ClinVar contains an entry for this variant (Variation ID: 449605). Invitae Evidence Modeling of protein sequence and biophysical properties (such as structural, functional, and spatial information, amino acid conservation, physicochemical variation, residue mobility, and thermodynamic stability) indicates that this missense variant is expected to disrupt FBN1 protein function with a positive predictive value of 95%. In summary, the currently available evidence indicates that the variant is pathogenic, but additional data are needed to prove that conclusively. Therefore, this variant has been classified as Likely Pathogenic.

Molecular Diagnostic Laboratory for Inherited Cardiovascular Disease, Montreal Heart Institute
Classification: Uncertain significance for Cardiovascular phenotype. Last evaluated: 2025-04-09. Review status: criteria provided, single submitter. Criteria: ACMG Guidelines, 2015. Collection method: clinical testing. Allele origin: germline. Affected: yes.
Comment: PM2; PP2; PP3; PP4

All of Us Research Program, National Institutes of Health
Classification: Uncertain significance for Marfan syndrome. Last evaluated: 2024-03-24. Review status: criteria provided, single submitter. Criteria: ACMG Guidelines, 2015. Collection method: clinical testing. Allele origin: germline. Inheritance: Autosomal dominant inheritance. Observed: 1 variant allele, 1 heterozygote.
Comment: This missense variant replaces asparagine with serine at codon 156 of the FBN1 protein. Computational prediction tools indicate that this variant's impact on protein structure and function is inconclusive. To our knowledge, functional studies have not been reported for this variant. This variant has been reported in one individual affected with pediatric Marfan syndrome (PMID: 32679894). It has also been reported in one individual affected with Marfan syndrome who also carried a pathogenic deletion of FBN1 exon 5 (doi:10.1016/j.hest.2022.01.002 Finsterer 2022). This variant has been identified in 2/251338 chromosomes in the general population by the Genome Aggregation Database (gnomAD). The available evidence is insufficient to determine the role of this variant in disease conclusively. Therefore, this variant is classified as a Variant of Uncertain Significance.

This study involves interpretation of variants in research participants for the purpose of population health screening. Participant phenotype was not available at the time of variant classification. Additional details can be found in publication PMID: 35346344, PMCID: PMC8962531

Color Diagnostics, LLC DBA Color Health
Classification: Uncertain significance for Familial thoracic aortic aneurysm and aortic dissection. Last evaluated: 2024-03-08. Review status: criteria provided, single submitter. Criteria: ACMG Guidelines, 2015. Collection method: clinical testing. Allele origin: germline.
Comment: This missense variant replaces asparagine with serine at codon 156 of the FBN1 protein. Computational prediction tools indicate that this variant's impact on protein structure and function is inconclusive. To our knowledge, functional studies have not been reported for this variant. This variant has been reported in one individual affected with pediatric Marfan syndrome (PMID: 32679894). It has also been reported in one individual affected with Marfan syndrome who also carried a pathogenic deletion of FBN1 exon 5 (doi:10.1016/j.hest.2022.01.002 Finsterer 2022). This variant has been identified in 2/251338 chromosomes in the general population by the Genome Aggregation Database (gnomAD). The available evidence is insufficient to determine the role of this variant in disease conclusively. Therefore, this variant is classified as a Variant of Uncertain Significance.

Fulgent Genetics
Classification: Uncertain significance for Acromicric dysplasia; Ectopia lentis 1, isolated, autosomal dominant; Marfan syndrome; Stiff skin syndrome; MASS syndrome; Weill-Marchesani syndrome 2, dominant; Geleophysic dysplasia 2; Progeroid and marfanoid aspect-lipodystrophy syndrome. Last evaluated: 2021-08-13. Review status: criteria provided, single submitter. Criteria: ACMG Guidelines, 2015. Collection method: clinical testing. Allele origin: unknown.

Revvity Omics, Revvity
Classification: Uncertain significance. Last evaluated: 2019-08-28. Review status: criteria provided, single submitter. Criteria: ACMG Guidelines, 2015. Collection method: clinical testing. Allele origin: germline.

Centre for Mendelian Genomics, University Medical Centre Ljubljana
Classification: Uncertain significance for Progeroid and marfanoid aspect-lipodystrophy syndrome. Last evaluated: 2019-01-09. Review status: criteria provided, single submitter. Criteria: ACMG Guidelines, 2015. Collection method: clinical testing. Allele origin: unknown. Affected: yes.
Comment: This variant was classified as: Uncertain significance. The available evidence on this variant's pathogenicity is insufficient or conflicting. The following ACMG criteria were applied in classifying this variant: PP3.

Literature cited by the submitters: PubMed 31211624 (cited by 3 submitters); PubMed 32679894 (cited by 5 submitters).

NM_000138.5(FBN1):c.467A>G (p.Asn156Ser)

Gene: FBN1 (fibrillin 1; minus strand). Cytogenetic location: 15q21.1.
Variant type: single nucleotide variant.
Coding change: c.467A>G on transcript NM_000138.5 (MANE Select); coding-DNA position 467, A replaced by G.
Protein change: p.Asn156Ser; replaces asparagine 156 with serine.
Molecular consequence: missense variant.
Genome position (GRCh38, 1-based): chr15:48,596,354, T>C on the plus strand (A>G on the coding strand, the complement: FBN1 is on the minus strand). VCF-style: chr15-48596354-T-C. GRCh37 (hg19) VCF-style: chr15-48888551-T-C.
Other names: short protein forms N156S.
Identifiers: ClinVar variation 449605 (VCV000449605.33), dbSNP rs779490973, ClinGen allele CA053522.
Genomic context (GRCh38, chr15:48,596,354, plus strand): 5'-TGGGGTCCAGTAAATCCGTAAGTGCATGCACATCGATTTGGGGCCACACACCTTCCTCCA[T>C]TGAGACAGCCACTTTCACAAACAGCTGTAAAATAAGGAGAGAGCTGAGACGCTTTACCTG-3'
Protein context (NP_000129.3, residues 146-166): GQPVCESGCL[Asn156Ser]GGRCVAPNRC